The following is an entry in ClinVar:

NM_000271.5(NPC1):c.2336del (p.Phe779fs)

Gene: NPC1 (NPC intracellular cholesterol transporter 1; minus strand). Cytogenetic location: 18q11.2.
Variant type: Deletion.
Coding change: c.2336del on transcript NM_000271.5 (MANE Select); coding-DNA position 2336, one base deleted (T; older notation c.2336delT).
Protein change: p.Phe779fs; shifts the reading frame from phenylalanine 779.
Molecular consequence: frameshift variant.
Genome position (GRCh38, 1-based): chr18:23,541,343, A deleted on the plus strand (T on the coding strand, the reverse complement: NPC1 is on the minus strand); the first of 3 consecutive A bases (chr18:23,541,343-23,541,345); deleting any one gives the same sequence. VCF-style (leftmost placement, unchanged base first): chr18-23541342-GA-G. GRCh37 (hg19) VCF-style: chr18-21121306-GA-G.
Other names: c.2336delT (NM_000271.4); short protein forms F779fs.
Identifiers: ClinVar variation 2910445 (VCV002910445.4), dbSNP rs2511222459, ClinGen allele CA913187481.
Genomic context (GRCh38, chr18:23,541,342, plus strand): 5'-ACTATAATCCTGGCACCAACTTACCTCTTGACGTTTAATGTCTAACCCCAAGAGACTCAC[GA>G]AACAGGTAATCTGCAGAAGAAAGTCAATGAAGACTGCCAATCCCGCAAAGAGAGAGAAGG-3'

ClinVar aggregate classification (germline): Pathogenic/Likely pathogenic. Review status: criteria provided, multiple submitters, no conflicts (2 of 4 stars). 2 submissions from 2 submitters: Pathogenic (1); Likely pathogenic (1). Last evaluated 2025-03-27.

Conditions:
Niemann-Pick disease, type C1. Also called: NIEMANN-PICK DISEASE, VARIANT TYPE C1; NEUROVISCERAL STORAGE DISEASE WITH VERTICAL SUPRANUCLEAR OPHTHALMOPLEGIA; NIEMANN-PICK DISEASE WITH CHOLESTEROL ESTERIFICATION BLOCK; NIEMANN-PICK DISEASE WITHOUT SPHINGOMYELINASE DEFICIENCY; NIEMANN-PICK DISEASE, CHRONIC NEURONOPATHIC FORM. Identifiers: Orphanet 646, MedGen C3179455, MONDO:0009757, OMIM 257220.
NPC1-related disorder. Also called: NPC1-related condition.

Submissions (2):

PreventionGenetics, part of Exact Sciences
Classification: Likely pathogenic for NPC1-related condition. Last evaluated: 2025-03-27. Review status: criteria provided, single submitter. Criteria: ACMG Guidelines, 2015. Collection method: clinical testing. Allele origin: germline.
Comment: The NPC1 c.2336delT variant is predicted to result in a frameshift and premature protein termination (p.Phe779Serfs*2). This variant has been reported together with second NPC1 variant in an individual with adolescent-adult onset Niemann-Pick disease, type C (Imrie et al. 2015. PubMed ID: 26666848; Imrie et al. 2006. PubMed ID: 17160617). This variant has not been reported in a large population database (gnomAD), indicating this variant is rare. Frameshift variants in NPC1 are expected to be pathogenic. This variant is interpreted as likely pathogenic.

Labcorp Genetics (formerly Invitae), Labcorp
Classification: Pathogenic for Niemann-Pick disease, type C1. Last evaluated: 2023-10-06. Review status: criteria provided, single submitter. Criteria: Invitae Variant Classification Sherloc (09022015). Collection method: clinical testing. Allele origin: germline.
Comment: This sequence change creates a premature translational stop signal (p.Phe779Serfs*2) in the NPC1 gene. It is expected to result in an absent or disrupted protein product. Loss-of-function variants in NPC1 are known to be pathogenic (PMID: 9211850). This variant is not present in population databases (gnomAD no frequency). This premature translational stop signal has been observed in individual(s) with Niemann-Pick disease (PMID: 17160617, 26666848). For these reasons, this variant has been classified as Pathogenic.

Literature cited by the submitters: PubMed 9211850 (cited by Labcorp Genetics (formerly Invitae), Labcorp); PubMed 17160617 (cited by Labcorp Genetics (formerly Invitae), Labcorp); PubMed 26666848 (cited by Labcorp Genetics (formerly Invitae), Labcorp).